The following is an entry in ClinVar:

NM_019888.3(MC3R):c.687G>A (p.Gly229=)

Gene: MC3R (melanocortin 3 receptor; plus strand). Cytogenetic location: 20q13.2.
Variant type: single nucleotide variant.
Coding change: c.687G>A on transcript NM_019888.3 (MANE Select); coding-DNA position 687, G replaced by A.
Protein change: p.Gly229=; no amino-acid change (glycine 229 retained).
Molecular consequence: synonymous variant.
Genome position (GRCh38, 1-based): chr20:56,249,530, G>A. VCF-style: chr20-56249530-G-A. GRCh37 (hg19) VCF-style: chr20-54824586-G-A.
Identifiers: ClinVar variation 3357356 (VCV003357356.1).

ClinVar aggregate classification (germline): Likely benign (0 of 4 stars; one submission).

Conditions:
MC3R-related disorder. Also called: MC3R-related condition.

Submission:

PreventionGenetics, part of Exact Sciences
Classification: Likely benign for MC3R-related condition. Last evaluated: 2024-08-30. Review status: no assertion criteria provided. Collection method: clinical testing. Allele origin: germline.
Comment: This variant is classified as likely benign based on ACMG/AMP sequence variant interpretation guidelines (Richards et al. 2015 PMID: 25741868, with internal and published modifications).